The following is an entry in ClinVar:

ClinVar aggregate classification (germline): Conflicting classifications of pathogenicity. Review status: criteria provided, conflicting classifications (1 of 4 stars). 2 submissions from 2 submitters: Uncertain significance (1); Likely benign (1). Last evaluated 2022-03-18.

Conditions:
Early-infantile DEE. Also called: Ohtahara syndrome; Early infantile epileptic encephalopathy with suppression bursts; Early infantile epileptic encephalopathy. Identifiers: Orphanet 1934, MedGen C0393706, MONDO:0800491.

Allele frequency attached by ClinVar (database versions not stated): gnomAD exomes 0.00001 and 0.00002; gnomAD 0.00002; TOPMed 0.00002; ExAC 0.00003; ESP Exome Variant Server 0.00008.
gnomAD v4.1: 16 of 1,612,966 alleles (0.00099%); highest among the groups gnomAD compares: African/African-American, 0.0013%; no homozygotes.

Submissions (2):

Mayo Clinic Laboratories, Mayo Clinic
Classification: Uncertain significance. Last evaluated: 2022-03-18. Review status: criteria provided, single submitter. Criteria: ACMG Guidelines, 2015. Collection method: clinical testing. Allele origin: germline. Observed: 1 variant allele.
Comment: BP5

Labcorp Genetics (formerly Invitae), Labcorp
Classification: Likely benign for Early-infantile DEE. Last evaluated: 2018-12-06. Review status: criteria provided, single submitter. Criteria: Invitae Variant Classification Sherloc (09022015). Collection method: clinical testing. Allele origin: germline.

NM_021072.4(HCN1):c.2507C>T (p.Pro836Leu)

Gene: HCN1 (hyperpolarization activated cyclic nucleotide gated potassium channel 1; minus strand). Cytogenetic location: 5p12.
Variant type: single nucleotide variant.
Coding change: c.2507C>T on transcript NM_021072.4 (MANE Select); coding-DNA position 2507, C replaced by T.
Protein change: p.Pro836Leu; replaces proline 836 with leucine.
Molecular consequence: missense variant.
Genome position (GRCh38, 1-based): chr5:45,262,087, G>A on the plus strand (C>T on the coding strand, the complement: HCN1 is on the minus strand). VCF-style: chr5-45262087-G-A. GRCh37 (hg19) VCF-style: chr5-45262189-G-A.
Other names: p.Pro836Leu; short protein forms P836L.
Identifiers: ClinVar variation 699326 (VCV000699326.12), dbSNP rs368989823, ClinGen allele CA3259094.